The following is an entry in ClinVar:

NM_000179.3(MSH6):c.2949G>T (p.Glu983Asp)

Gene: MSH6 (mutS homolog 6; plus strand). Cytogenetic location: 2p16.3.
Variant type: single nucleotide variant.
Coding change: c.2949G>T on transcript NM_000179.3 (MANE Select); coding-DNA position 2949, G replaced by T.
Protein change: p.Glu983Asp; replaces glutamic acid 983 with aspartic acid.
Molecular consequence: missense variant.
Genome position (GRCh38, 1-based): chr2:47,800,932, G>T. VCF-style: chr2-47800932-G-T. GRCh37 (hg19) VCF-style: chr2-48028071-G-T.
Other names: c.2559G>T, p.Glu853Asp (NM_001281492.2); c.2043G>T, p.Glu681Asp (NM_001281493.2, NM_001281494.2); short protein forms E853D, E983D, E681D.
Identifiers: ClinVar variation 1511890 (VCV001511890.10), dbSNP rs780485157, ClinGen allele CA346756238.

ClinVar aggregate classification (germline): Uncertain significance. Review status: criteria provided, multiple submitters, no conflicts (2 of 4 stars). 2 submissions from 2 submitters: Uncertain significance (2). Last evaluated 2022-07-19.

Conditions:
Hereditary cancer-predisposing syndrome. Also called: Hereditary neoplastic syndrome; Neoplastic Syndromes, Hereditary; Tumor predisposition; Hereditary Cancer Syndrome. Identifiers: Orphanet 140162, MedGen C0027672, MeSH D009386, MONDO:0015356.
Hereditary nonpolyposis colorectal neoplasms. Identifiers: MedGen C0009405, MeSH D003123.

Submissions (2):

Ambry Genetics
Classification: Uncertain significance for Hereditary cancer-predisposing syndrome. Last evaluated: 2022-07-19. Review status: criteria provided, single submitter. Criteria: Ambry Variant Classification Scheme 2023. Collection method: clinical testing. Allele origin: germline.
Comment: The p.E983D variant (also known as c.2949G>T), located in coding exon 4 of the MSH6 gene, results from a G to T substitution at nucleotide position 2949. The glutamic acid at codon 983 is replaced by aspartic acid, an amino acid with highly similar properties. This amino acid position is well conserved in available vertebrate species. In addition, this alteration is predicted to be tolerated by in silico analysis. Since supporting evidence is limited at this time, the clinical significance of this alteration remains unclear.

Labcorp Genetics (formerly Invitae), Labcorp
Classification: Uncertain significance for Hereditary nonpolyposis colorectal neoplasms. Last evaluated: 2020-12-25. Review status: criteria provided, single submitter. Criteria: Invitae Variant Classification Sherloc (09022015). Collection method: clinical testing. Allele origin: germline.
Comment: This sequence change replaces glutamic acid with aspartic acid at codon 983 of the MSH6 protein (p.Glu983Asp). The glutamic acid residue is highly conserved and there is a small physicochemical difference between glutamic acid and aspartic acid. This variant is not present in population databases (ExAC no frequency). This variant has not been reported in the literature in individuals with MSH6-related conditions. Advanced modeling of protein sequence and biophysical properties (such as structural, functional, and spatial information, amino acid conservation, physicochemical variation, residue mobility, and thermodynamic stability) performed at Invitae indicates that this missense variant is not expected to disrupt MSH6 protein function. In summary, the available evidence is currently insufficient to determine the role of this variant in disease. Therefore, it has been classified as a Variant of Uncertain Significance.